The following is an entry in ClinVar:

ClinVar aggregate classification (germline): Uncertain significance. Review status: criteria provided, multiple submitters, no conflicts (2 of 4 stars). 2 submissions from 2 submitters: Uncertain significance (2). Last evaluated 2024-11-12.

gnomAD v4.1: 68 of 1,584,564 alleles (0.0043%); highest among the groups gnomAD compares: Non-Finnish European, 0.0053%; no homozygotes.

Submissions (2):

Ambry Genetics
Classification: Uncertain significance. Last evaluated: 2024-11-12. Review status: criteria provided, single submitter. Criteria: Ambry Variant Classification Scheme 2023. Collection method: clinical testing. Allele origin: germline.

Labcorp Genetics (formerly Invitae), Labcorp
Classification: Uncertain significance. Last evaluated: 2024-08-30. Review status: criteria provided, single submitter. Criteria: Invitae Variant Classification Sherloc (09022015). Collection method: clinical testing. Allele origin: germline.
Comment: This sequence change replaces glutamic acid, which is acidic and polar, with glycine, which is neutral and non-polar, at codon 349 of the RIMS1 protein (p.Glu349Gly). This variant is present in population databases (rs763316706, gnomAD 0.004%). This variant has not been reported in the literature in individuals affected with RIMS1-related conditions. ClinVar contains an entry for this variant (Variation ID: 1913515). An algorithm developed to predict the effect of missense changes on protein structure and function (PolyPhen-2) suggests that this variant is likely to be tolerated. In summary, the available evidence is currently insufficient to determine the role of this variant in disease. Therefore, it has been classified as a Variant of Uncertain Significance.

NM_014989.7(RIMS1):c.1046A>G (p.Glu349Gly)

Gene: RIMS1 (regulating synaptic membrane exocytosis 1; plus strand). Cytogenetic location: 6q13.
Variant type: single nucleotide variant.
Coding change: c.1046A>G on transcript NM_014989.7 (MANE Select); coding-DNA position 1046, A replaced by G.
Protein change: p.Glu349Gly; replaces glutamic acid 349 with glycine.
Molecular consequence: missense variant.
Genome position (GRCh38, 1-based): chr6:72,182,517, A>G. VCF-style: chr6-72182517-A-G. GRCh37 (hg19) VCF-style: chr6-72892220-A-G.
Other names: c.1046A>G (NM_014989.4); short protein forms E349G.
Identifiers: ClinVar variation 1913515 (VCV001913515.6), dbSNP rs763316706, ClinGen allele CA3885643.